The following is an entry in ClinVar:

ClinVar aggregate classification (germline): Pathogenic/Likely pathogenic. Review status: criteria provided, multiple submitters, no conflicts (2 of 4 stars). 4 submissions from 4 submitters: Pathogenic (2); Likely pathogenic (2). Last evaluated 2025-06-05.

Conditions:
Neurofibromatosis, type 1 (NF1). Also called: VON RECKLINGHAUSEN DISEASE; NEUROFIBROMATOSIS, TYPE I, SOMATIC; Peripheral type neurofibromatosis; Neurofibromatosis, type I. Identifiers: Orphanet 636, MedGen C0027831, MONDO:0018975, OMIM 162200. Disease mechanism: loss of function.
Cardiovascular phenotype. Identifiers: MedGen CN230736.
Hereditary cancer-predisposing syndrome. Also called: Neoplastic Syndromes, Hereditary; Hereditary neoplastic syndrome; Hereditary Cancer Syndrome; Tumor predisposition. Identifiers: Orphanet 140162, MedGen C0027672, MeSH D009386, MONDO:0015356.

Submissions (4):

NHS Central & South Genomic Laboratory Hub
Classification: Likely pathogenic for Neurofibromatosis type 1. Last evaluated: 2025-06-05. Review status: criteria provided, single submitter. Criteria: ACMG Guidelines, 2015. Collection method: clinical testing. Allele origin: germline. Affected: yes.

Labcorp Genetics (formerly Invitae), Labcorp
Classification: Pathogenic for Neurofibromatosis, type 1. Last evaluated: 2025-06-03. Review status: criteria provided, single submitter. Criteria: Invitae Variant Classification Sherloc (09022015). Collection method: clinical testing. Allele origin: germline.
Comment: This sequence change falls in intron 10 of the NF1 gene. It does not directly change the encoded amino acid sequence of the NF1 protein. RNA analysis indicates that this variant induces altered splicing and likely results in a shortened protein product. This variant is not present in population databases (gnomAD no frequency). This variant has been observed in individual(s) with neurofibromatosis type 1 (PMID: 23668869, 31201679, 31717729). In at least one individual the variant was observed to be de novo. Invitae Evidence Modeling of clinical and family history, age, sex, and reported ancestry of multiple individuals with this NF1 variant has been performed. This variant is expected to be pathogenic with a positive predictive value of at least 99%. This is a validated machine learning model that incorporates the clinical features of 1,785,918 individuals referred to our laboratory for NF1 testing. ClinVar contains an entry for this variant (Variation ID: 654452). Variants that disrupt the consensus splice site are a relatively common cause of aberrant splicing (PMID: 17576681, 9536098). Studies have shown that this variant results in skipping of exon 10, but is expected to preserve the integrity of the reading-frame (PMID: 31201679). For these reasons, this variant has been classified as Pathogenic.

Institute of Medical Genetics and Applied Genomics, University Hospital Tübingen
Classification: Likely pathogenic for Neurofibromatosis, type 1. Last evaluated: 2024-09-10. Review status: criteria provided, single submitter. Criteria: ACMG Guidelines, 2015. Collection method: clinical testing. Allele origin: germline. Inheritance: Autosomal dominant inheritance. Affected: yes.

Ambry Genetics
Classification: Pathogenic for Cardiovascular phenotype; Hereditary cancer-predisposing syndrome. Last evaluated: 2024-06-28. Review status: criteria provided, single submitter. Criteria: Ambry Variant Classification Scheme 2023. Collection method: clinical testing. Allele origin: germline.
Comment: The c.1185+5G>C intronic pathogenic mutation results from a G to C substitution 5 nucleotides after coding exon 10 in the NF1 gene. This mutation has been detected in multiple unrelated individuals with a clinical diagnosis or suspicion of neurofibromatosis type 1; it was reported to be de novo in one of the individuals (Ko JM et al. Pediatr Neurol, 2013 Jun;48:447-53; Wang W et al. Mol Biol Rep, 2019 Aug;46:4349-4359; Yao R et al. Genes (Basel), 2019 Oct;10:; Ambry internal data). RNA studies have demonstrated that this alteration results in skipping of exon 10 in the set of samples tested (Ko JM et al. Pediatr Neurol, 2013 Jun;48:447-53; Wang W et al. Mol Biol Rep, 2019 Aug;46:4349-4359; Ambry internal data). This nucleotide position is highly conserved in available vertebrate species. In silico splice site analysis for this alteration is inconclusive. This variant is considered to be rare based on population cohorts in the Genome Aggregation Database (gnomAD). Based on the supporting evidence, this alteration is interpreted as a disease-causing mutation.

Literature cited by the submitters: PubMed 23668869 (cited by Labcorp Genetics (formerly Invitae), Labcorp and Ambry Genetics); PubMed 31201679 (cited by Labcorp Genetics (formerly Invitae), Labcorp and Ambry Genetics); PubMed 31717729 (cited by Labcorp Genetics (formerly Invitae), Labcorp and Ambry Genetics); PubMed 17576681 (cited by Labcorp Genetics (formerly Invitae), Labcorp); PubMed 9536098 (cited by Labcorp Genetics (formerly Invitae), Labcorp).

NM_001042492.3(NF1):c.1185+5G>C

Gene: NF1 (neurofibromin 1; plus strand). Cytogenetic location: 17q11.2.
Variant type: single nucleotide variant.
Coding change: c.1185+5G>C on transcript NM_001042492.3 (MANE Select); 5 bases into the intron after coding-DNA position 1185, G replaced by C.
Molecular consequence: intron variant.
Genome position (GRCh38, 1-based): chr17:31,201,164, G>C. VCF-style: chr17-31201164-G-C. GRCh37 (hg19) VCF-style: chr17-29528182-G-C.
Other names: c.1185+5G>C (NM_000267.4, NM_001128147.3).
Identifiers: ClinVar variation 654452 (VCV000654452.9), dbSNP rs1597682182, ClinGen allele CA915949677.
Genomic context (GRCh38, chr17:31,201,164, plus strand): 5'-TTGACTGCCTTGTTTCTTGCTTTCGTATAAGCCCTCACAACAACCAACACTTTAAGGTGA[G>C]AGCATTGGTTTTTATCTAACTATATTTACTGATGCTGTTATCCTTTATAAACAAAAAGAC-3'